The following is an entry in ClinVar:

NM_004336.5(BUB1):c.719A>G (p.Glu240Gly)

Gene: BUB1 (BUB1 mitotic checkpoint serine/threonine kinase; minus strand). Cytogenetic location: 2q13.
Variant type: single nucleotide variant.
Coding change: c.719A>G on transcript NM_004336.5 (MANE Select); coding-DNA position 719, A replaced by G.
Protein change: p.Glu240Gly; replaces glutamic acid 240 with glycine.
Molecular consequence: missense variant.
Genome position (GRCh38, 1-based): chr2:110,667,607, T>C on the plus strand (A>G on the coding strand, the complement: BUB1 is on the minus strand). VCF-style: chr2-110667607-T-C. GRCh37 (hg19) VCF-style: chr2-111425184-T-C.
Other names: c.659A>G, p.Glu220Gly (NM_001278616.2); c.719A>G, p.Glu240Gly (NM_001278617.2); short protein forms E220G, E240G.
Identifiers: ClinVar variation 3262104 (VCV003262104.1).

ClinVar aggregate classification (germline): Uncertain significance (1 of 4 stars; one submission).

Submission:

Ambry Genetics
Classification: Uncertain significance. Last evaluated: 2024-04-27. Review status: criteria provided, single submitter. Criteria: Ambry Variant Classification Scheme 2023. Collection method: clinical testing. Allele origin: germline.
Comment: The p.E240G variant (also known as c.719A>G), located in coding exon 8 of the BUB1 gene, results from an A to G substitution at nucleotide position 719. The glutamic acid at codon 240 is replaced by glycine, an amino acid with similar properties. This amino acid position is conserved. In addition, this alteration is predicted to be tolerated by in silico analysis. Based on the available evidence, the clinical significance of this variant remains unclear.